The following is an entry in ClinVar:

NM_000059.4(BRCA2):c.6591T>G (p.Thr2197=)

Gene: BRCA2 (BRCA2 DNA repair associated; plus strand). Cytogenetic location: 13q13.1.
Variant type: single nucleotide variant.
Coding change: c.6591T>G on transcript NM_000059.4 (MANE Select); coding-DNA position 6591, T replaced by G.
Protein change: p.Thr2197=; no amino-acid change (threonine 2197 retained).
Molecular consequence: synonymous variant. On other transcripts: non-coding transcript variant (1), intron variant (2).
Genome position (GRCh38, 1-based): chr13:32,340,946, T>G. VCF-style: chr13-32340946-T-G. GRCh37 (hg19) VCF-style: chr13-32915083-T-G.
Other names: c.6591T>G, p.Thr2197= (NM_001406719.1, NM_001406720.1); c.1910-3612T>G (NM_001406721.1); c.425-3612T>G (NM_001406722.1).
Identifiers: ClinVar variation 2565966 (VCV002565966.6), dbSNP rs2548533669, ClinGen allele CA483439254.

ClinVar aggregate classification (germline): Conflicting classifications of pathogenicity. Review status: criteria provided, conflicting classifications (1 of 4 stars). 3 submissions from 3 submitters: Uncertain significance (1); Likely benign (2). Last evaluated 2023-03-22.

Conditions:
Hereditary breast ovarian cancer syndrome. Also called: BRCA1- and BRCA2-Associated Hereditary Breast and Ovarian Cancer; Hereditary breast and ovarian cancer syndrome (HBOC); Hereditary breast and ovarian cancer syndrome; Breast and ovarian cancer; Hereditary breast and/or ovarian cancer syndrome; Hereditary breast and ovarian cancer. Identifiers: Orphanet 145, MedGen C0677776, MeSH D061325, MONDO:0003582. Disease mechanism: loss of function.
Hereditary cancer-predisposing syndrome. Also called: Neoplastic Syndromes, Hereditary; Hereditary Cancer Syndrome; Hereditary neoplastic syndrome; Tumor predisposition. Identifiers: Orphanet 140162, MedGen C0027672, MeSH D009386, MONDO:0015356.

Submissions (3):

Ambry Genetics
Classification: Likely benign for Hereditary cancer-predisposing syndrome. Last evaluated: 2023-03-22. Review status: criteria provided, single submitter. Criteria: Ambry Variant Classification Scheme 2023. Collection method: clinical testing. Allele origin: germline.

Labcorp Genetics (formerly Invitae), Labcorp
Classification: Likely benign for Hereditary breast ovarian cancer syndrome. Last evaluated: 2023-03-02. Review status: criteria provided, single submitter. Criteria: Invitae Variant Classification Sherloc (09022015). Collection method: clinical testing. Allele origin: germline.

Quest Diagnostics Nichols Institute San Juan Capistrano
Classification: Uncertain significance. Last evaluated: 2023-02-03. Review status: criteria provided, single submitter. Criteria: Quest Diagnostics criteria. Collection method: clinical testing. Allele origin: unknown.
Comment: This variant has not been reported in the published literature. It also has not been reported in large, multi-ethnic general populations. Analysis of this variant using software algorithms for the prediction of the effect of nucleotide changes on splicing yielded predictions that this variant does not affect BRCA2 mRNA splicing . Based on the available information, we are unable to determine the clinical significance of this variant.